The following is an entry in ClinVar:

ClinVar aggregate classification (germline): Uncertain significance (1 of 4 stars; one submission).

Submission:

Labcorp Genetics (formerly Invitae), Labcorp
Classification: Uncertain significance. Last evaluated: 2018-08-12. Review status: criteria provided, single submitter. Criteria: Invitae Variant Classification Sherloc (09022015). Collection method: clinical testing. Allele origin: germline.
Comment: This variant has not been reported in the literature in individuals with NEU1-related disease. Algorithms developed to predict the effect of missense changes on protein structure and function are either unavailable or do not agree on the potential impact of this missense change (SIFT: "Deleterious"; PolyPhen-2: "Probably Damaging"; Align-GVGD: "Class C0"). In summary, the available evidence is currently insufficient to determine the role of this variant in disease. Therefore, it has been classified as a Variant of Uncertain Significance. This variant is not present in population databases (ExAC no frequency). This sequence change replaces proline with leucine at codon 210 of the NEU1 protein (p.Pro210Leu). The proline residue is highly conserved and there is a moderate physicochemical difference between proline and leucine.

NM_000434.4(NEU1):c.629C>T (p.Pro210Leu)

Gene: NEU1 (neuraminidase 1; minus strand). Cytogenetic location: 6p21.33.
Variant type: single nucleotide variant.
Coding change: c.629C>T on transcript NM_000434.4 (MANE Select); coding-DNA position 629, C replaced by T.
Protein change: p.Pro210Leu; replaces proline 210 with leucine.
Molecular consequence: missense variant.
Genome position (GRCh38, 1-based): chr6:31,860,608, G>A on the plus strand (C>T on the coding strand, the complement: NEU1 is on the minus strand). VCF-style: chr6-31860608-G-A. GRCh37 (hg19) VCF-style: chr6-31828385-G-A.
Other names: short protein forms P210L.
Identifiers: ClinVar variation 642392 (VCV000642392.8), dbSNP rs1581820056, ClinGen allele CA363493053.
Genomic context (GRCh38, chr6:31,860,608, plus strand): 5'-CAGAAGACTCCGTCCCGCTCCAGCGTCCCATGGCCACACACGATGAGGCGGCCCTTCCGT[G>A]GCTCCCGCTGTTTCTGTGGGAAAGGGAACTGGGTGTCACAGAAGGAGACTCTAGGGGCTC-3'
Protein context (NP_000425.1, residues 200-220): PGSGIQKQRE[Pro210Leu]RKGRLIVCGH